The following is an entry in ClinVar:

ClinVar aggregate classification (germline): Uncertain significance (1 of 4 stars; one submission).

Submission:

Labcorp Genetics (formerly Invitae), Labcorp
Classification: Uncertain significance. Last evaluated: 2022-12-06. Review status: criteria provided, single submitter. Criteria: Invitae Variant Classification Sherloc (09022015). Collection method: clinical testing. Allele origin: germline.
Comment: This sequence change replaces proline, which is neutral and non-polar, with serine, which is neutral and polar, at codon 649 of the MUT protein (p.Pro649Ser). This variant is not present in population databases (gnomAD no frequency). This variant has not been reported in the literature in individuals affected with MUT-related conditions. ClinVar contains an entry for this variant (Variation ID: 1392698). Advanced modeling of protein sequence and biophysical properties (such as structural, functional, and spatial information, amino acid conservation, physicochemical variation, residue mobility, and thermodynamic stability) performed at Invitae indicates that this missense variant is expected to disrupt MUT protein function. In summary, the available evidence is currently insufficient to determine the role of this variant in disease. Therefore, it has been classified as a Variant of Uncertain Significance.

NM_000255.4(MMUT):c.1945C>T (p.Pro649Ser)

Gene: MMUT (methylmalonyl-CoA mutase; minus strand). Cytogenetic location: 6p12.3.
Variant type: single nucleotide variant.
Coding change: c.1945C>T on transcript NM_000255.4 (MANE Select); coding-DNA position 1945, C replaced by T.
Protein change: p.Pro649Ser; replaces proline 649 with serine.
Molecular consequence: missense variant.
Genome position (GRCh38, 1-based): chr6:49,440,217, G>A on the plus strand (C>T on the coding strand, the complement: MMUT is on the minus strand). VCF-style: chr6-49440217-G-A. GRCh37 (hg19) VCF-style: chr6-49407930-G-A.
Other names: short protein forms P649S.
Identifiers: ClinVar variation 1392698 (VCV001392698.6), dbSNP rs1561952053, ClinGen allele CA364394884.